The following is an entry in ClinVar:

ClinVar aggregate classification (germline): Uncertain significance. Review status: criteria provided, multiple submitters, no conflicts (2 of 4 stars). 2 submissions from 2 submitters: Uncertain significance (2). Last evaluated 2024-06-24.

Allele frequency attached by ClinVar (database versions not stated): gnomAD exomes below 0.00001.

Submissions (2):

Labcorp Genetics (formerly Invitae), Labcorp
Classification: Uncertain significance. Last evaluated: 2024-06-24. Review status: criteria provided, single submitter. Criteria: Invitae Variant Classification Sherloc (09022015). Collection method: clinical testing. Allele origin: germline.
Comment: This sequence change creates a premature translational stop signal (p.Arg93*) in the ARHGAP24 gene. It is expected to result in an absent or disrupted protein product. However, the current clinical and genetic evidence is not sufficient to establish whether loss-of-function variants in ARHGAP24 cause disease. This variant is not present in population databases (gnomAD no frequency). This variant has not been reported in the literature in individuals affected with ARHGAP24-related conditions. In summary, the available evidence is currently insufficient to determine the role of this variant in disease. Therefore, it has been classified as a Variant of Uncertain Significance.

Revvity Omics, Revvity
Classification: Uncertain significance. Last evaluated: 2021-09-07. Review status: criteria provided, single submitter. Criteria: ACMG Guidelines, 2015. Collection method: clinical testing. Allele origin: germline.

NM_001025616.3(ARHGAP24):c.277C>T (p.Arg93Ter)

Gene: ARHGAP24 (Rho GTPase activating protein 24; plus strand). Cytogenetic location: 4q21.23.
Variant type: single nucleotide variant.
Coding change: c.277C>T on transcript NM_001025616.3 (MANE Select); coding-DNA position 277, C replaced by T.
Protein change: p.Arg93Ter; replaces arginine 93 with a stop codon.
Molecular consequence: nonsense. On other transcripts: 5 prime UTR variant (2).
Genome position (GRCh38, 1-based): chr4:85,923,656, C>T. VCF-style: chr4-85923656-C-T. GRCh37 (hg19) VCF-style: chr4-86844809-C-T.
Other names: c.-9C>T (NM_001042669.2); c.22C>T, p.Arg8Ter (NM_001287805.2); c.-95C>T (NM_001346093.2); short protein forms R8*, R93*.
Identifiers: ClinVar variation 2688591 (VCV002688591.5), dbSNP rs2148811777, ClinGen allele CA357696031.